The following is an entry in ClinVar:

ClinVar aggregate classification (germline): Uncertain significance. Review status: criteria provided, multiple submitters, no conflicts (2 of 4 stars). 2 submissions from 2 submitters: Uncertain significance (2). Last evaluated 2025-03-17.

Conditions:
Rafiq syndrome (RAFQS). Identifiers: Orphanet 88616, MedGen C3280127, MONDO:0013624, OMIM 614202.
Inborn genetic diseases. Identifiers: MedGen C0950123, MeSH D030342.

Allele frequency attached by ClinVar (database versions not stated): gnomAD 0.00001; gnomAD exomes 0.00001; TOPMed 0.00001; ExAC 0.00002.
gnomAD v4.1: 13 of 1,614,068 alleles (0.00081%); highest among the groups gnomAD compares: Non-Finnish European, 0.0011%; no homozygotes.

Submissions (2):

Labcorp Genetics (formerly Invitae), Labcorp
Classification: Uncertain significance for Rafiq syndrome. Last evaluated: 2025-03-17. Review status: criteria provided, single submitter. Criteria: Invitae Variant Classification Sherloc (09022015). Collection method: clinical testing. Allele origin: germline.
Comment: This sequence change replaces phenylalanine, which is neutral and non-polar, with valine, which is neutral and non-polar, at codon 100 of the MAN1B1 protein (p.Phe100Val). This variant is present in population databases (rs774949935, gnomAD 0.003%). This variant has not been reported in the literature in individuals affected with MAN1B1-related conditions. ClinVar contains an entry for this variant (Variation ID: 1983778). An algorithm developed to predict the effect of missense changes on protein structure and function (PolyPhen-2) suggests that this variant is likely to be tolerated. In summary, the available evidence is currently insufficient to determine the role of this variant in disease. Therefore, it has been classified as a Variant of Uncertain Significance.

Ambry Genetics
Classification: Uncertain significance for Inborn genetic diseases. Last evaluated: 2022-12-16. Review status: criteria provided, single submitter. Criteria: Ambry Variant Classification Scheme 2023. Collection method: clinical testing. Allele origin: germline.

NM_016219.5(MAN1B1):c.298T>G (p.Phe100Val)

Gene: MAN1B1 (mannosidase alpha class 1B member 1; plus strand). Cytogenetic location: 9q34.3.
Variant type: single nucleotide variant.
Coding change: c.298T>G on transcript NM_016219.5 (MANE Select); coding-DNA position 298, T replaced by G.
Protein change: p.Phe100Val; replaces phenylalanine 100 with valine.
Molecular consequence: missense variant. On other transcripts: non-coding transcript variant (2).
Genome position (GRCh38, 1-based): chr9:137,088,153, T>G. VCF-style: chr9-137088153-T-G. GRCh37 (hg19) VCF-style: chr9-139982605-T-G.
Other names: c.190T>G, p.Phe64Val (NM_007230.1); short protein forms F100V, F64V.
Identifiers: ClinVar variation 1983778 (VCV001983778.5), dbSNP rs774949935, ClinGen allele CA5358533.